The following is an entry in ClinVar:

ClinVar aggregate classification (germline): Uncertain significance (0 of 4 stars; one submission).

Conditions:
ICAM1-related disorder. Also called: ICAM1-related condition.

Submission:

PreventionGenetics, part of Exact Sciences
Classification: Uncertain significance for ICAM1-related condition. Last evaluated: 2024-07-11. Review status: no assertion criteria provided. Collection method: clinical testing. Allele origin: germline.
Comment: The ICAM1 c.1539A>C variant is predicted to result in the amino acid substitution p.Arg513Ser. To our knowledge, this variant has not been reported in the literature or in a large population database, indicating this variant is rare. At this time, the clinical significance of this variant is uncertain due to the absence of conclusive functional and genetic evidence.

NM_000201.3(ICAM1):c.1539A>C (p.Arg513Ser)

Gene: ICAM1 (intercellular adhesion molecule 1; plus strand). Cytogenetic location: 19p13.2.
Variant type: single nucleotide variant.
Coding change: c.1539A>C on transcript NM_000201.3 (MANE Select); coding-DNA position 1539, A replaced by C.
Protein change: p.Arg513Ser; replaces arginine 513 with serine.
Molecular consequence: missense variant.
Genome position (GRCh38, 1-based): chr19:10,285,227, A>C. VCF-style: chr19-10285227-A-C. GRCh37 (hg19) VCF-style: chr19-10395903-A-C.
Other names: short protein forms R513S.
Identifiers: ClinVar variation 3347899 (VCV003347899.1).